The following is an entry in ClinVar:

NM_022489.4(INF2):c.1354A>G (p.Lys452Glu)

Gene: INF2 (inverted formin 2; plus strand). Cytogenetic location: 14q32.33.
Variant type: single nucleotide variant.
Coding change: c.1354A>G on transcript NM_022489.4 (MANE Select); coding-DNA position 1354, A replaced by G.
Protein change: p.Lys452Glu; replaces lysine 452 with glutamic acid.
Molecular consequence: missense variant. On other transcripts: non-coding transcript variant (1).
Genome position (GRCh38, 1-based): chr14:104,707,621, A>G. VCF-style: chr14-104707621-A-G. GRCh37 (hg19) VCF-style: chr14-105173958-A-G.
Other names: p.Lys452Glu; c.1354A>G, p.Lys452Glu (NM_001031714.4, NM_001426862.1, NM_001426863.1 and 2 more transcripts); short protein forms K452E.
Identifiers: ClinVar variation 4541911 (VCV004541911.1).

ClinVar aggregate classification (germline): Uncertain significance (1 of 4 stars; one submission).

Submission:

Mayo Clinic Laboratories, Mayo Clinic
Classification: Uncertain significance. Last evaluated: 2025-05-14. Review status: criteria provided, single submitter. Criteria: ACMG Guidelines, 2015. Collection method: clinical testing. Allele origin: germline. Observed: 1 variant allele.
Comment: BP4_moderate